The following is an entry in ClinVar:

ClinVar aggregate classification (germline): Uncertain significance (1 of 4 stars; one submission).

Conditions:
Compton-North congenital myopathy (CMYO12). Identifiers: Orphanet 210163, MedGen C2675527, MONDO:0012929, OMIM 612540.

Allele frequency attached by ClinVar (database versions not stated): gnomAD exomes 0.00002 and 0.00005; ExAC 0.00005.
gnomAD v4.1: 12 of 1,609,576 alleles (0.00075%); highest among the groups gnomAD compares: Admixed American, 0.02%; no homozygotes.

Submission:

Labcorp Genetics (formerly Invitae), Labcorp
Classification: Uncertain significance for Compton-North congenital myopathy. Last evaluated: 2022-11-08. Review status: criteria provided, single submitter. Criteria: Invitae Variant Classification Sherloc (09022015). Collection method: clinical testing. Allele origin: germline.
Comment: Algorithms developed to predict the effect of missense changes on protein structure and function (SIFT, PolyPhen-2, Align-GVGD) all suggest that this variant is likely to be disruptive. In summary, the available evidence is currently insufficient to determine the role of this variant in disease. Therefore, it has been classified as a Variant of Uncertain Significance. ClinVar contains an entry for this variant (Variation ID: 1426963). This variant has not been reported in the literature in individuals affected with CNTN1-related conditions. This variant is present in population databases (rs769284324, gnomAD 0.03%). This sequence change replaces tyrosine, which is neutral and polar, with histidine, which is basic and polar, at codon 482 of the CNTN1 protein (p.Tyr482His).

NM_001843.4(CNTN1):c.1444T>C (p.Tyr482His)

Gene: CNTN1 (contactin 1; plus strand). Cytogenetic location: 12q12.
Variant type: single nucleotide variant.
Coding change: c.1444T>C on transcript NM_001843.4 (MANE Select); coding-DNA position 1444, T replaced by C.
Protein change: p.Tyr482His; replaces tyrosine 482 with histidine.
Molecular consequence: missense variant.
Genome position (GRCh38, 1-based): chr12:40,943,661, T>C. VCF-style: chr12-40943661-T-C. GRCh37 (hg19) VCF-style: chr12-41337463-T-C.
Other names: c.1444T>C, p.Tyr482His (NM_001256063.2, NM_001256064.2); c.1411T>C, p.Tyr471His (NM_175038.2); short protein forms Y482H, Y471H.
Identifiers: ClinVar variation 1426963 (VCV001426963.6), dbSNP rs769284324, ClinGen allele CA6516860.